The following is an entry in ClinVar:

NM_181336.4(LEMD2):c.995A>G (p.Lys332Arg)

Gene: LEMD2 (LEM domain nuclear envelope protein 2; minus strand). Cytogenetic location: 6p21.31.
Variant type: single nucleotide variant.
Coding change: c.995A>G on transcript NM_181336.4 (MANE Select); coding-DNA position 995, A replaced by G.
Protein change: p.Lys332Arg; replaces lysine 332 with arginine.
Molecular consequence: missense variant.
Genome position (GRCh38, 1-based): chr6:33,780,115, T>C on the plus strand (A>G on the coding strand, the complement: LEMD2 is on the minus strand). VCF-style: chr6-33780115-T-C. GRCh37 (hg19) VCF-style: chr6-33747892-T-C.
Other names: c.89A>G, p.Lys30Arg (NM_001143944.1, NM_001348709.2); c.596A>G, p.Lys199Arg (NM_001348710.2); c.995A>G (NM_181336.3); short protein forms K332R, K30R, K199R.
Identifiers: ClinVar variation 2042860 (VCV002042860.7), dbSNP rs111606296, ClinGen allele CA3763150.
Genomic context (GRCh38, chr6:33,780,115, plus strand): 5'-TGGTTGCAGGCACCCATGCTGCGTCGCCACCCTGCCCACACTCACCAGATGCCCACGTCC[T>C]TGTTACTGCTCAGTATCCAGGTCAGTGCGGCTTCAAACTTGGCGGAGGAGCTGCTGGTCA-3'
Protein context (NP_851853.1, residues 322-342): AALTWILSSN[Lys332Arg]DVGIWLKGED

ClinVar aggregate classification (germline): Conflicting classifications of pathogenicity. Review status: criteria provided, conflicting classifications (1 of 4 stars). 3 submissions from 3 submitters: Uncertain significance (1); Benign (1). 1 of the submissions does not count toward it. Last evaluated 2026-01-25.

Conditions:
LEMD2-related disorder. Also called: LEMD2-related condition.

Allele frequency attached by ClinVar (database versions not stated): gnomAD exomes 0.00025; ExAC 0.00147; 1000 Genomes Project 0.00200; gnomAD 0.00206; 1000 Genomes Project 30x 0.00234; TOPMed 0.00249; ESP Exome Variant Server 0.00254.

Submissions (3):

Labcorp Genetics (formerly Invitae), Labcorp
Classification: Benign. Last evaluated: 2026-01-25. Review status: criteria provided, single submitter. Criteria: Invitae Variant Classification Sherloc (09022015). Collection method: clinical testing. Allele origin: germline.

GeneDx
Classification: Uncertain significance. Last evaluated: 2025-03-18. Review status: criteria provided, single submitter. Criteria: GeneDx Variant Classification Process June 2021. Collection method: clinical testing. Allele origin: germline. Affected: yes.
Comment: In silico analysis supports that this missense variant has a deleterious effect on protein structure/function; Has not been previously published as pathogenic or benign to our knowledge

PreventionGenetics, part of Exact Sciences
Classification: Likely benign for LEMD2-related condition. Last evaluated: 2019-09-25. Review status: no assertion criteria provided. Collection method: clinical testing. Allele origin: germline. Not counted in ClinVar's aggregate classification.
Comment: This variant is classified as likely benign based on ACMG/AMP sequence variant interpretation guidelines (Richards et al. 2015 PMID: 25741868, with internal and published modifications).